The following is an entry in ClinVar:

NM_000264.5(PTCH1):c.4034G>T (p.Arg1345Leu)

Gene: PTCH1 (patched 1; minus strand). Cytogenetic location: 9q22.32.
Variant type: single nucleotide variant.
Coding change: c.4034G>T on transcript NM_000264.5 (MANE Select); coding-DNA position 4034, G replaced by T.
Protein change: p.Arg1345Leu; replaces arginine 1345 with leucine.
Molecular consequence: missense variant. On other transcripts: non-coding transcript variant (1).
Genome position (GRCh38, 1-based): chr9:95,447,222, C>A on the plus strand (G>T on the coding strand, the complement: PTCH1 is on the minus strand). VCF-style: chr9-95447222-C-A. GRCh37 (hg19) VCF-style: chr9-98209504-C-A.
Other names: c.3836G>T, p.Arg1279Leu (NM_001083602.3); c.4031G>T, p.Arg1344Leu (NM_001083603.3); c.3581G>T, p.Arg1194Leu (NM_001083604.3, NM_001083605.3, NM_001083606.3 and 1 more transcripts); c.3878G>T, p.Arg1293Leu (NM_001354918.2); short protein forms R1194L, R1293L, R1279L, R1344L, R1345L.
Identifiers: ClinVar variation 4676148 (VCV004676148.1).

ClinVar aggregate classification (germline): Uncertain significance (1 of 4 stars; one submission).

Conditions:
Hereditary cancer-predisposing syndrome. Also called: Neoplastic Syndromes, Hereditary; Tumor predisposition; Hereditary Cancer Syndrome; Hereditary neoplastic syndrome. Identifiers: Orphanet 140162, MedGen C0027672, MeSH D009386, MONDO:0015356.

gnomAD v4.1: 1 of 1,611,558 alleles (0.000062%); highest among the groups gnomAD compares: Non-Finnish European, 0.000085%; no homozygotes.

Submission:

Ambry Genetics
Classification: Uncertain significance for Hereditary cancer-predisposing syndrome. Last evaluated: 2025-11-24. Review status: criteria provided, single submitter. Criteria: Ambry Variant Classification Scheme 2023. Collection method: clinical testing. Allele origin: germline.
Comment: The p.R1345L variant (also known as c.4034G>T), located in coding exon 23 of the PTCH1 gene, results from a G to T substitution at nucleotide position 4034. The arginine at codon 1345 is replaced by leucine, an amino acid with dissimilar properties. This amino acid position is conserved. In addition, the in silico prediction for this alteration is inconclusive. Based on the available evidence, the clinical significance of this variant remains unclear.